The following is an entry in ClinVar:

NM_138387.4(G6PC3):c.626G>C (p.Gly209Ala)

Gene: G6PC3 (glucose-6-phosphatase catalytic subunit 3; plus strand). Cytogenetic location: 17q21.31.
Variant type: single nucleotide variant.
Coding change: c.626G>C on transcript NM_138387.4 (MANE Select); coding-DNA position 626, G replaced by C.
Protein change: p.Gly209Ala; replaces glycine 209 with alanine.
Molecular consequence: missense variant.
Genome position (GRCh38, 1-based): chr17:44,075,400, G>C. VCF-style: chr17-44075400-G-C. GRCh37 (hg19) VCF-style: chr17-42152768-G-C.
Other names: c.507G>C, p.Arg169Ser (NM_001319945.2); c.281G>C, p.Gly94Ala (NM_001384165.1, NM_001384166.1, NM_001384167.1 and 1 more transcripts); short protein forms G94A, G209A, R169S.
Identifiers: ClinVar variation 2184621 (VCV002184621.2), dbSNP rs764056109, ClinGen allele CA8596100.

ClinVar aggregate classification (germline): Uncertain significance. Review status: criteria provided, multiple submitters, no conflicts (2 of 4 stars). 2 submissions from 2 submitters: Uncertain significance (2). Last evaluated 2025-10-12.

Conditions:
Inborn genetic diseases. Identifiers: MedGen C0950123, MeSH D030342.
Autosomal recessive severe congenital neutropenia due to G6PC3 deficiency. Also called: NEUTROPENIA, SEVERE CONGENITAL, 4, AUTOSOMAL RECESSIVE; G6PC3 Deficiency. Identifiers: Orphanet 331176, MedGen C2751630, MONDO:0012930, OMIM 612541.

Allele frequency attached by ClinVar (database versions not stated): gnomAD 0.00001; ExAC 0.00002.

Submissions (2):

Ambry Genetics
Classification: Uncertain significance for Inborn genetic diseases. Last evaluated: 2025-10-12. Review status: criteria provided, single submitter. Criteria: Ambry Variant Classification Scheme 2023. Collection method: clinical testing. Allele origin: germline.
Comment: The p.G209A variant (also known as c.626G>C), located in coding exon 5 of the G6PC3 gene, results from a G to C substitution at nucleotide position 626. The glycine at codon 209 is replaced by alanine, an amino acid with similar properties. This amino acid position is conserved. In addition, the in silico prediction for this alteration is inconclusive. Based on the available evidence, the clinical significance of this variant remains unclear.

Labcorp Genetics (formerly Invitae), Labcorp
Classification: Uncertain significance for Autosomal recessive severe congenital neutropenia due to G6PC3 deficiency. Last evaluated: 2022-06-11. Review status: criteria provided, single submitter. Criteria: Invitae Variant Classification Sherloc (09022015). Collection method: clinical testing. Allele origin: germline.
Comment: This sequence change replaces glycine, which is neutral and non-polar, with alanine, which is neutral and non-polar, at codon 209 of the G6PC3 protein (p.Gly209Ala). This variant is present in population databases (rs764056109, gnomAD 0.01%). This variant has not been reported in the literature in individuals affected with G6PC3-related conditions. Algorithms developed to predict the effect of missense changes on protein structure and function are either unavailable or do not agree on the potential impact of this missense change (SIFT: "Tolerated"; PolyPhen-2: "Possibly Damaging"; Align-GVGD: "Class C0"). In summary, the available evidence is currently insufficient to determine the role of this variant in disease. Therefore, it has been classified as a Variant of Uncertain Significance.